The following is an entry in ClinVar:

ClinVar aggregate classification (germline): Uncertain significance (1 of 4 stars; one submission).

Conditions:
Hereditary cancer-predisposing syndrome. Also called: Neoplastic Syndromes, Hereditary; Tumor predisposition; Hereditary neoplastic syndrome; Hereditary Cancer Syndrome. Identifiers: Orphanet 140162, MedGen C0027672, MeSH D009386, MONDO:0015356.
Cardiovascular phenotype. Identifiers: MedGen CN230736.

Submission:

Ambry Genetics
Classification: Uncertain significance for Cardiovascular phenotype; Hereditary cancer-predisposing syndrome. Last evaluated: 2023-03-18. Review status: criteria provided, single submitter. Criteria: Ambry Variant Classification Scheme 2023. Collection method: clinical testing. Allele origin: germline.
Comment: The p.F190S variant (also known as c.569T>C), located in coding exon 6 of the LZTR1 gene, results from a T to C substitution at nucleotide position 569. The phenylalanine at codon 190 is replaced by serine, an amino acid with highly dissimilar properties. This amino acid position is conserved. In addition, this alteration is predicted to be deleterious by in silico analysis. Since supporting evidence is limited at this time, the clinical significance of this alteration remains unclear.

NM_006767.4(LZTR1):c.569T>C (p.Phe190Ser)

Gene: LZTR1 (leucine zipper like post translational regulator 1; plus strand). Cytogenetic location: 22q11.21.
Variant type: single nucleotide variant.
Coding change: c.569T>C on transcript NM_006767.4 (MANE Select); coding-DNA position 569, T replaced by C.
Protein change: p.Phe190Ser; replaces phenylalanine 190 with serine.
Molecular consequence: missense variant.
Genome position (GRCh38, 1-based): chr22:20,988,848, T>C. VCF-style: chr22-20988848-T-C. GRCh37 (hg19) VCF-style: chr22-21343137-T-C.
Other names: short protein forms F190S.
Identifiers: ClinVar variation 3238310 (VCV003238310.1), dbSNP rs2518614172.